The following is an entry in ClinVar:

ClinVar aggregate classification (germline): Uncertain significance. Review status: criteria provided, multiple submitters, no conflicts (2 of 4 stars). 2 submissions from 2 submitters: Uncertain significance (2). Last evaluated 2023-12-21.

Allele frequency attached by ClinVar (database versions not stated): ESP Exome Variant Server 0.00008.
gnomAD v4.1: 8 of 1,613,298 alleles (0.0005%); highest among the groups gnomAD compares: East Asian, 0.0089%; no homozygotes.

Submissions (2):

Blueprint Genetics
Classification: Uncertain significance. Last evaluated: 2023-12-21. Review status: criteria provided, single submitter. Criteria: ACMG Guidelines, 2015. Collection method: clinical testing. Allele origin: germline.

Labcorp Genetics (formerly Invitae), Labcorp
Classification: Uncertain significance. Last evaluated: 2021-12-02. Review status: criteria provided, single submitter. Criteria: Invitae Variant Classification Sherloc (09022015). Collection method: clinical testing. Allele origin: germline.
Comment: This sequence change replaces arginine, which is basic and polar, with tryptophan, which is neutral and slightly polar, at codon 14 of the MLC1 protein (p.Arg14Trp). This variant is present in population databases (rs370132302, gnomAD 0.005%). This variant has not been reported in the literature in individuals affected with MLC1-related conditions. Algorithms developed to predict the effect of missense changes on protein structure and function (SIFT, PolyPhen-2, Align-GVGD) all suggest that this variant is likely to be disruptive. In summary, the available evidence is currently insufficient to determine the role of this variant in disease. Therefore, it has been classified as a Variant of Uncertain Significance.

NM_015166.4(MLC1):c.40C>T (p.Arg14Trp)

Gene: MLC1 (modulator of VRAC current 1; minus strand). Cytogenetic location: 22q13.33.
Variant type: single nucleotide variant.
Coding change: c.40C>T on transcript NM_015166.4 (MANE Select); coding-DNA position 40, C replaced by T.
Protein change: p.Arg14Trp; replaces arginine 14 with tryptophan.
Molecular consequence: missense variant. On other transcripts: non-coding transcript variant (3), intron variant (1).
Genome position (GRCh38, 1-based): chr22:50,084,863, G>A on the plus strand (C>T on the coding strand, the complement: MLC1 is on the minus strand). VCF-style: chr22-50084863-G-A. GRCh37 (hg19) VCF-style: chr22-50523292-G-A.
Other names: c.40C>T, p.Arg14Trp (NM_001376472.1, NM_001376473.1, NM_001376474.1 and 10 more transcripts); c.-59+492C>T (NM_001376484.1); short protein forms R14W.
Identifiers: ClinVar variation 1368988 (VCV001368988.4), dbSNP rs370132302, ClinGen allele CA10303699.